The following is an entry in ClinVar:

NM_003482.4(KMT2D):c.1057C>A (p.Gln353Lys)

Gene: KMT2D (lysine methyltransferase 2D; minus strand). Cytogenetic location: 12q13.12.
Variant type: single nucleotide variant.
Coding change: c.1057C>A on transcript NM_003482.4 (MANE Select); coding-DNA position 1057, C replaced by A.
Protein change: p.Gln353Lys; replaces glutamine 353 with lysine.
Molecular consequence: missense variant.
Genome position (GRCh38, 1-based): chr12:49,052,970, G>T on the plus strand (C>A on the coding strand, the complement: KMT2D is on the minus strand). VCF-style: chr12-49052970-G-T. GRCh37 (hg19) VCF-style: chr12-49446753-G-T.
Other names: short protein forms Q353K.
Identifiers: ClinVar variation 134733 (VCV000134733.1), dbSNP rs587778487, ClinGen allele CA160637.
Genomic context (GRCh38, chr12:49,052,970, plus strand): 5'-CTTACCTGCTACACACCGGGGTATGCTGCTCAGCAACGGAGCGGATAGTCTGACCTCCCT[G>T]GGCTTTGTGACAGCGGTGACAGAGAGAGTAGTTCTCAAACCACTCCGAGTTGGGATTCAG-3'
Protein context (NP_003473.3, residues 343-363): YSLCHRCHKA[Gln353Lys]GGQTIRSVAE

ClinVar aggregate classification (germline): not provided (0 of 4 stars; one submission).

gnomAD v4.1: 1 of 1,614,020 alleles (0.000062%); highest among the groups gnomAD compares: African/African-American, 0.0013%; no homozygotes.

Submission:

ITMI
No classification provided. Condition: AllHighlyPenetrant. Last evaluated: 2013-09-19. Review status: no classification provided. Collection method: reference population. Allele origin: germline.
Comment: Please see associated publication for description of ethnicities

Literature cited by the submitters: PubMed 24728327.